The following is an entry in ClinVar:

ClinVar aggregate classification (germline): Uncertain significance. Review status: criteria provided, multiple submitters, no conflicts (2 of 4 stars). 2 submissions from 2 submitters: Uncertain significance (2). Last evaluated 2025-06-12.

Conditions:
Imerslund-Grasbeck syndrome. Also called: PERNICIOUS ANEMIA, JUVENILE, DUE TO SELECTIVE INTESTINAL MALABSORPTION OF VITAMIN B12, WITH PROTEINURIA; Megaloblastic anemia due to inborn errors of metabolism; ENTEROCYTE COBALAMIN MALABSORPTION; ENTEROCYTE INTRINSIC FACTOR RECEPTOR, DEFECT OF; Imerslund-Gräsbeck syndrome. Identifiers: Orphanet 35858, MedGen C4551825, MONDO:0009853.
Proteinuria, chronic benign. Identifiers: MedGen C5394384, MONDO:0030042, OMIM 618884.
Imerslund-Grasbeck syndrome type 1 (IGS1). Also called: Imerslund-Gräsbeck syndrome 1; Megaloblastic anemia 1, Finnish type; MEGALOBLASTIC ANEMIA, 1. Identifiers: MedGen C4016819, MONDO:0100156, OMIM 261100.

Allele frequency attached by ClinVar (database versions not stated): gnomAD exomes 0.00001; TOPMed 0.00003; gnomAD 0.00001.
gnomAD v4.1: 27 of 1,614,004 alleles (0.0017%); highest among the groups gnomAD compares: African/African-American, 0.0027%; no homozygotes.

Submissions (2):

Labcorp Genetics (formerly Invitae), Labcorp
Classification: Uncertain significance for Imerslund-Grasbeck syndrome. Last evaluated: 2025-06-12. Review status: criteria provided, single submitter. Criteria: Invitae Variant Classification Sherloc (09022015). Collection method: clinical testing. Allele origin: germline.
Comment: This sequence change replaces leucine, which is neutral and non-polar, with proline, which is neutral and non-polar, at codon 28 of the CUBN protein (p.Leu28Pro). This variant is present in population databases (no rsID available, gnomAD 0.008%). This variant has not been reported in the literature in individuals affected with CUBN-related conditions. ClinVar contains an entry for this variant (Variation ID: 1368728). An algorithm developed to predict the effect of missense changes on protein structure and function outputs the following: PolyPhen-2: "Benign". The proline amino acid residue is found in multiple mammalian species, which suggests that this missense change does not adversely affect protein function. In summary, the available evidence is currently insufficient to determine the role of this variant in disease. Therefore, it has been classified as a Variant of Uncertain Significance.

Fulgent Genetics
Classification: Uncertain significance for Imerslund-Grasbeck syndrome type 1; Proteinuria, chronic benign. Last evaluated: 2024-02-12. Review status: criteria provided, single submitter. Criteria: ACMG Guidelines, 2015. Collection method: clinical testing. Allele origin: germline.

NM_001081.4(CUBN):c.83T>C (p.Leu28Pro)

Gene: CUBN (cubilin; minus strand). Cytogenetic location: 10p13.
Variant type: single nucleotide variant.
Coding change: c.83T>C on transcript NM_001081.4 (MANE Select); coding-DNA position 83, T replaced by C.
Protein change: p.Leu28Pro; replaces leucine 28 with proline.
Molecular consequence: missense variant.
Genome position (GRCh38, 1-based): chr10:17,129,683, A>G on the plus strand (T>C on the coding strand, the complement: CUBN is on the minus strand). VCF-style: chr10-17129683-A-G. GRCh37 (hg19) VCF-style: chr10-17171682-A-G.
Other names: short protein forms L28P.
Identifiers: ClinVar variation 1368728 (VCV001368728.8), dbSNP rs1054077052, ClinGen allele CA203618542.